The following is an entry in ClinVar:

ClinVar aggregate classification (germline): Likely benign (1 of 4 stars; one submission).

Submission:

GeneDx
Classification: Likely benign. Last evaluated: 2017-11-10. Review status: criteria provided, single submitter. Criteria: GeneDx Variant Classification (06012015). Collection method: clinical testing. Allele origin: germline. Affected: yes.
Comment: This variant is considered likely benign or benign based on one or more of the following criteria: it is a conservative change, it occurs at a poorly conserved position in the protein, it is predicted to be benign by multiple in silico algorithms, and/or has population frequency not consistent with disease.

NM_000310.4(PPT1):c.798+16T>G

Gene: PPT1 (palmitoyl-protein thioesterase 1; minus strand). Cytogenetic location: 1p34.2.
Variant type: single nucleotide variant.
Coding change: c.798+16T>G on transcript NM_000310.4 (MANE Select); 16 bases into the intron after coding-DNA position 798, T replaced by G.
Molecular consequence: intron variant.
Genome position (GRCh38, 1-based): chr1:40,076,826, A>C on the plus strand (T>G on the coding strand, the complement: PPT1 is on the minus strand). VCF-style: chr1-40076826-A-C. GRCh37 (hg19) VCF-style: chr1-40542498-A-C.
Other names: c.489+16T>G (NM_001142604.2); c.726+1734T>G (NM_001363695.2).
Identifiers: ClinVar variation 513341 (VCV000513341.1), dbSNP rs1553166332, ClinGen allele CA658795429.
Genomic context (GRCh38, chr1:40,076,826, plus strand): 5'-CCAAAGAACATAGCAGCTTCAGGAACTGGGAGCTGAAAAAACACCAACCTCCCAAGATAG[A>C]CTCCCTGCCAGTTACCTGTGTGTACAGGGAGGTCTCCTGTAAGGGAATGGTTTCCTTGGC-3'